The following is an entry in ClinVar:

ClinVar aggregate classification (germline): Uncertain significance (1 of 4 stars; one submission).

Conditions:
Giant axonal neuropathy 1 (GAN1). Also called: GAN-Related Neurodegeneration; GIANT AXONAL NEUROPATHY 1, AUTOSOMAL RECESSIVE. Identifiers: Orphanet 643, MedGen C1850386, MONDO:0009749, OMIM 256850.

Submission:

Labcorp Genetics (formerly Invitae), Labcorp
Classification: Uncertain significance for Giant axonal neuropathy 1. Last evaluated: 2022-08-22. Review status: criteria provided, single submitter. Criteria: Invitae Variant Classification Sherloc (09022015). Collection method: clinical testing. Allele origin: germline.
Comment: This variant results in a copy number gain of the genomic region encompassing exon(s) 1 of the GAN gene. This region includes the initiator codon of the gene. This copy number gain extends beyond the assayed region for this gene and therefore may encompass additional genes. As the precise location of this event is unknown, it may be in tandem or it may be located elsewhere in the genome. This variant has not been reported in the literature in individuals affected with GAN-related conditions. In summary, the available evidence is currently insufficient to determine the role of this variant in disease. Therefore, it has been classified as a Variant of Uncertain Significance.

NC_000016.9:g.(?_81348719)_(81348905_?)dup

Gene: GAN (gigaxonin; plus strand). Cytogenetic location: 16q23.2.
Variant type: Duplication.
Identifiers: ClinVar variation 2426707 (VCV002426707.2).